The following is an entry in ClinVar:

NM_022552.5(DNMT3A):c.1627G>C (p.Gly543Arg)

Gene: DNMT3A (DNA methyltransferase 3 alpha; minus strand). Cytogenetic location: 2p23.3.
Variant type: single nucleotide variant.
Coding change: c.1627G>C on transcript NM_022552.5 (MANE Select); coding-DNA position 1627, G replaced by C.
Protein change: p.Gly543Arg; replaces glycine 543 with arginine.
Molecular consequence: missense variant. On other transcripts: non-coding transcript variant (1).
Genome position (GRCh38, 1-based): chr2:25,244,580, C>G on the plus strand (G>C on the coding strand, the complement: DNMT3A is on the minus strand). VCF-style: chr2-25244580-C-G. GRCh37 (hg19) VCF-style: chr2-25467449-C-G.
Other names: c.1171G>C, p.Gly391Arg (NM_001320893.1); c.958G>C, p.Gly320Arg (NM_001375819.1); c.1060G>C, p.Gly354Arg (NM_153759.3); c.1627G>C, p.Gly543Arg (NM_175629.2); short protein forms G320R, G354R, G391R, G543R.
Identifiers: ClinVar variation 3062230 (VCV003062230.2), dbSNP rs752222356, ClinGen allele CA346072142.

ClinVar aggregate classification (germline): Pathogenic (1 of 4 stars; one submission).

Conditions:
Tatton-Brown-Rahman overgrowth syndrome. Also called: Tatton-Brown-Rahman syndrome; Tall stature-intellectual disability-facial dysmorphism syndrome. Identifiers: Orphanet 404443, MedGen C4014545, MONDO:0014382, OMIM 615879.

Submission:

Medical Genetics Laboratory, Etlik City Hospital
Classification: Pathogenic for Tatton-Brown-Rahman overgrowth syndrome. Review status: criteria provided, single submitter. Criteria: ACMG Guidelines, 2015. Collection method: clinical testing. Allele origin: de novo. Affected: yes. Observed: 1 heterozygote.
Comment: The variant was determined to be de novo. The variant has not been previously reported in the literature (PubMed, LitVar2), population data (GnomAD), or ClinVar database. However, a different amino acid alteration (c.1627G>A, p.Gly543Ser) affecting the same nucleotide has been classified as likely pathogenic and reported to cause TBRS in the ClinVar database (VCV002431485.1). Additionally, another variant affecting the same nucleotide with a different amino acid change (c.1627G>T, p.Gly543Cys) has been reported somatically on several occasions in myeloid neoplasia cohorts in the literature. The amino acid residue of p.Gly543 of DNMT3A is located in the ATRX-Dnmt3-Dnmt3L (ADD) domain, where the pathogenic missense variants related to TBRS were clustered (PMID: 29900417). The c.1627G>C (p.Gly543Arg) variant detected in the patient was predicted to be disease causing according to in silico tools including the meta-predictor of MetaRNN and the Alphamissense tool. Based on this information, the c.1627G>C p.(Gly543Arg) variant is classified as pathogenic according to ACMG 2015 criteria. Therefore, the identified variant was considered clinically compatible with TBRS. (PM1, PM2, PM5, PM6, PP3, PP4_S)